The following is an entry in ClinVar:

ClinVar aggregate classification (germline): Pathogenic (1 of 4 stars; one submission).

Conditions:
Hereditary spastic paraplegia 49 (HSAN9). Also called: Spastic paraplegia 49, autosomal recessive; TECPR2-Related Hereditary Sensory and Autonomic Neuropathy with Intellectual Disability; NEUROPATHY, HEREDITARY SENSORY AND AUTONOMIC, TYPE IX, WITH DEVELOPMENTAL DELAY. Identifiers: Orphanet 320385, MedGen C5190860, MONDO:0014016, OMIM 615031.

Submission:

Labcorp Genetics (formerly Invitae), Labcorp
Classification: Pathogenic for Hereditary spastic paraplegia 49. Last evaluated: 2024-02-07. Review status: criteria provided, single submitter. Criteria: Invitae Variant Classification Sherloc (09022015). Collection method: clinical testing. Allele origin: germline.
Comment: This sequence change creates a premature translational stop signal (p.Gly792Cysfs*107) in the TECPR2 gene. It is expected to result in an absent or disrupted protein product. Loss-of-function variants in TECPR2 are known to be pathogenic (PMID: 23176824, 25590979). This variant is not present in population databases (gnomAD no frequency). This variant has not been reported in the literature in individuals affected with TECPR2-related conditions. For these reasons, this variant has been classified as Pathogenic.

Literature cited by the submitters: PubMed 23176824; PubMed 25590979.

NM_014844.5(TECPR2):c.2374_2377del (p.Gly792fs)

Gene: TECPR2 (tectonin beta-propeller repeat containing 2; plus strand). Cytogenetic location: 14q32.31.
Variant type: Deletion.
Coding change: c.2374_2377del on transcript NM_014844.5 (MANE Select); coding-DNA positions 2374 to 2377, 4 bases deleted (GGGC; older notation c.2374_2377delGGGC).
Protein change: p.Gly792fs; shifts the reading frame from glycine 792.
Molecular consequence: frameshift variant.
Genome position (GRCh38, 1-based): chr14:102,435,191-102,435,194, GGGC deleted; deleting any 4 consecutive bases within chr14:102,435,190-102,435,194 gives the same sequence; the c. name uses the placement nearest the transcript's 3' end. VCF-style (leftmost placement, unchanged base first): chr14-102435189-CCGGG-C. GRCh37 (hg19) VCF-style: chr14-102901526-CCGGG-C.
Other names: c.2374_2377del, p.Gly792fs (NM_001172631.3); short protein forms G792fs.
Identifiers: ClinVar variation 3679940 (VCV003679940.2).